The following is an entry in ClinVar:

NM_004360.5(CDH1):c.1210C>T (p.Pro404Ser)

Gene: CDH1 (cadherin 1; plus strand). Cytogenetic location: 16q22.1.
Variant type: single nucleotide variant.
Coding change: c.1210C>T on transcript NM_004360.5 (MANE Select); coding-DNA position 1210, C replaced by T.
Protein change: p.Pro404Ser; replaces proline 404 with serine.
Molecular consequence: missense variant. On other transcripts: 5 prime UTR variant (2), intron variant (1).
Genome position (GRCh38, 1-based): chr16:68,813,385, C>T. VCF-style: chr16-68813385-C-T. GRCh37 (hg19) VCF-style: chr16-68847288-C-T.
Other names: c.-406C>T (NM_001317185.2); c.-610C>T (NM_001317186.2); c.1137+1122C>T (NM_001317184.2); short protein forms P404S.
Identifiers: ClinVar variation 924082 (VCV000924082.18), dbSNP rs1334047600, ClinGen allele CA396461316.

ClinVar aggregate classification (germline): Uncertain significance. Review status: criteria provided, multiple submitters, no conflicts (2 of 4 stars). 4 submissions from 4 submitters: Uncertain significance (4). Last evaluated 2026-05-18.

Conditions:
Hereditary cancer-predisposing syndrome. Also called: Neoplastic Syndromes, Hereditary; Hereditary neoplastic syndrome; Hereditary Cancer Syndrome; Tumor predisposition. Identifiers: Orphanet 140162, MedGen C0027672, MeSH D009386, MONDO:0015356.
Hereditary diffuse gastric adenocarcinoma (HDGC). Also called: DIFFUSE GASTRIC AND LOBULAR BREAST CANCER SYNDROME. Identifiers: Orphanet 26106, MedGen C1708349, MONDO:0007648, OMIM 137215.

Allele frequency attached by ClinVar (database versions not stated): gnomAD exomes below 0.00001 and 0.00001.

Submissions (4):

Women's Health and Genetics/Laboratory Corporation of America, LabCorp
Classification: Uncertain significance. Last evaluated: 2026-05-18. Review status: criteria provided, single submitter. Criteria: LabCorp Variant Classification Summary - May 2015. Collection method: clinical testing. Allele origin: germline.
Comment: Variant summary: CDH1 c.1210C>T (p.Pro404Ser) results in a non-conservative amino acid change in the encoded protein sequence. Algorithms developed to predict the effect of missense changes on protein structure and function are either unavailable or do not agree on the potential impact of this missense change. The variant allele was found at a frequency of 8e-06 in 251488 control chromosomes. The available data on variant occurrences in the general population are insufficient to allow any conclusion about variant significance. To our knowledge, no occurrence of c.1210C>T in individuals affected with CDH1-related conditions and no experimental evidence demonstrating its impact on protein function have been reported. ClinVar contains an entry for this variant (Variation ID: 924082). Based on the evidence outlined above, the variant was classified as uncertain significance.

Labcorp Genetics (formerly Invitae), Labcorp
Classification: Uncertain significance for Hereditary diffuse gastric adenocarcinoma. Last evaluated: 2025-09-05. Review status: criteria provided, single submitter. Criteria: Invitae Variant Classification Sherloc (09022015). Collection method: clinical testing. Allele origin: germline.
Comment: This sequence change replaces proline, which is neutral and non-polar, with serine, which is neutral and polar, at codon 404 of the CDH1 protein (p.Pro404Ser). This variant is present in population databases (no rsID available, gnomAD 0.006%). This variant has not been reported in the literature in individuals affected with CDH1-related conditions. ClinVar contains an entry for this variant (Variation ID: 924082). An algorithm developed to predict the effect of missense changes on protein structure and function (PolyPhen-2) suggests that this variant is likely to be disruptive. In summary, the available evidence is currently insufficient to determine the role of this variant in disease. Therefore, it has been classified as a Variant of Uncertain Significance.

Ambry Genetics
Classification: Uncertain significance for Hereditary cancer-predisposing syndrome. Last evaluated: 2024-12-13. Review status: criteria provided, single submitter. Criteria: Ambry Variant Classification Scheme 2023. Collection method: clinical testing. Allele origin: germline.
Comment: The p.P404S variant (also known as c.1210C>T), located in coding exon 9 of the CDH1 gene, results from a C to T substitution at nucleotide position 1210. The proline at codon 404 is replaced by serine, an amino acid with similar properties. This amino acid position is well conserved in available vertebrate species. In addition, this alteration is predicted to be tolerated by in silico analysis. Based on the available evidence, the clinical significance of this variant remains unclear.

Color Diagnostics, LLC DBA Color Health
Classification: Uncertain significance for Hereditary cancer-predisposing syndrome. Last evaluated: 2023-12-04. Review status: criteria provided, single submitter. Criteria: ACMG Guidelines, 2015. Collection method: clinical testing. Allele origin: germline.
Comment: This missense variant replaces proline with serine at codon 404 of the CDH1 protein. Splice site prediction tools suggest that this variant may not impact RNA splicing. To our knowledge, functional studies have not been reported for this variant. This variant has not been reported in individuals affected with hereditary cancer in the literature. This variant has been identified in 2/251488 chromosomes in the general population by the Genome Aggregation Database (gnomAD). The available evidence is insufficient to determine the role of this variant in disease conclusively. Therefore, this variant is classified as a Variant of Uncertain Significance.